The following is an entry in ClinVar:

ClinVar aggregate classification (germline): Pathogenic/Likely pathogenic. Review status: criteria provided, multiple submitters, no conflicts (2 of 4 stars). 3 submissions from 3 submitters: Pathogenic (1); Likely pathogenic (2). Last evaluated 2024-01-24.

Conditions:
Congenital adrenal hyperplasia. Identifiers: Orphanet 418, MedGen C0001627, MONDO:0018479, HP:0008258.
HSD3B2-related disorders.

Submissions (3):

Labcorp Genetics (formerly Invitae), Labcorp
Classification: Pathogenic. Last evaluated: 2024-01-24. Review status: criteria provided, single submitter. Criteria: Invitae Variant Classification Sherloc (09022015). Collection method: clinical testing. Allele origin: germline.
Comment: This sequence change creates a premature translational stop signal (p.Trp283*) in the HSD3B2 gene. While this is not anticipated to result in nonsense mediated decay, it is expected to disrupt the last 90 amino acid(s) of the HSD3B2 protein. This variant is not present in population databases (gnomAD no frequency). This variant has not been reported in the literature in individuals affected with HSD3B2-related conditions. ClinVar contains an entry for this variant (Variation ID: 1722338). This variant disrupts the C-terminus of the HSD3B2 protein, which has been demonstrated to be critical for enzymatic activity (PMID: 1825279). While functional studies have not been performed to directly test the effect of this variant on HSD3B2 protein function, this suggests that disruption of this region of the protein is causative of disease. This variant disrupts a region of the HSD3B2 protein in which other variant(s) (p.Arg335*) have been determined to be pathogenic (PMID: 18252794, 31006099; Invitae). This suggests that this is a clinically significant region of the protein, and that variants that disrupt it are likely to be disease-causing. For these reasons, this variant has been classified as Pathogenic.

Women's Health and Genetics/Laboratory Corporation of America, LabCorp
Classification: Likely pathogenic for Congenital adrenal hyperplasia. Last evaluated: 2022-09-12. Review status: criteria provided, single submitter. Criteria: LabCorp Variant Classification Summary - May 2015. Collection method: clinical testing. Allele origin: germline.
Comment: Variant summary: HSD3B2 c.849delG (p.Trp283X) results in a premature termination codon, predicted to cause a truncation of the encoded protein or absence of the protein due to nonsense mediated decay, which are commonly known mechanisms for disease. Other truncations downstream of this position have been found in association with adrenal hyperplasia and disorders of androgen synthesis in HGMD, suggesting that this region of the protein is clinically relevant. The variant was absent in 251314 control chromosomes. To our knowledge, no occurrence of c.849delG in individuals affected with Congenital Adrenal Hyperplasia and no experimental evidence demonstrating its impact on protein function have been reported. No clinical diagnostic laboratories have submitted clinical-significance assessments for this variant to ClinVar after 2014. Based on the evidence outlined above, the variant was classified as likely pathogenic.

Blueprint Genetics
Classification: Likely pathogenic for HSD3B2-related disorders. Last evaluated: 2018-07-02. Review status: criteria provided, single submitter. Criteria: ACMG Guidelines, 2015. Collection method: clinical testing. Allele origin: germline. Affected: yes. Observed: 1 variant allele.

Literature cited by the submitters: PubMed 1825279 (cited by Labcorp Genetics (formerly Invitae), Labcorp); PubMed 18252794 (cited by Labcorp Genetics (formerly Invitae), Labcorp); PubMed 31006099 (cited by Labcorp Genetics (formerly Invitae), Labcorp).

NM_000198.4(HSD3B2):c.849del (p.Arg282_Trp283insTer)

Gene: HSD3B2 (hydroxy-delta-5-steroid dehydrogenase, 3 beta- and steroid delta-isomerase 2; plus strand). Cytogenetic location: 1p12.
Variant type: Deletion.
Coding change: c.849del on transcript NM_000198.4 (MANE Select); coding-DNA position 849, one base deleted (G; older notation c.849delG).
Protein change: p.Arg282_Trp283insTer.
Molecular consequence: nonsense.
Genome position (GRCh38, 1-based): chr1:119,422,350, G deleted; the last of 2 consecutive G bases (chr1:119,422,349-119,422,350); deleting either gives the same sequence. VCF-style (leftmost placement, unchanged base first): chr1-119422348-TG-T. GRCh37 (hg19) VCF-style: chr1-119964971-TG-T.
Other names: c.849del, p.Arg282_Trp283insTer (NM_001166120.2).
Identifiers: ClinVar variation 1722338 (VCV001722338.5), dbSNP rs2526393548, ClinGen allele CA2533543121.